The following is an entry in ClinVar:

ClinVar aggregate classification (germline): Likely benign. Review status: criteria provided, multiple submitters, no conflicts (2 of 4 stars). 3 submissions from 3 submitters: Likely benign (2). 1 of the submissions does not count toward it. Last evaluated 2025-11-28.

Conditions:
Cardiovascular phenotype. Identifiers: MedGen CN230736.
DK1-congenital disorder of glycosylation. Also called: CDG Im; DK1 DEFICIENCY; DOLICHOL KINASE DEFICIENCY; DOLK-congenital disorder of glycosylation; Carbohydrate deficient glycoprotein syndrome type 1m; CONGENITAL DISORDER OF GLYCOSYLATION, TYPE Im. Identifiers: Orphanet 91131, MedGen C1835849, MONDO:0012556, OMIM 610768.
DOLK-related disorder. Also called: DOLK-related condition.

Allele frequency attached by ClinVar (database versions not stated): ExAC 0.00004; gnomAD exomes 0.00005; TOPMed 0.00012; gnomAD 0.00013; ESP Exome Variant Server 0.00015.
gnomAD v4.1: 43 of 1,614,130 alleles (0.0027%); highest among the groups gnomAD compares: African/African-American, 0.036%; no homozygotes.

Submissions (3):

Labcorp Genetics (formerly Invitae), Labcorp
Classification: Likely benign for DK1-congenital disorder of glycosylation. Last evaluated: 2025-11-28. Review status: criteria provided, single submitter. Criteria: Invitae Variant Classification Sherloc (09022015). Collection method: clinical testing. Allele origin: germline.

Ambry Genetics
Classification: Likely benign for Cardiovascular phenotype. Last evaluated: 2019-06-19. Review status: criteria provided, single submitter. Criteria: Ambry Variant Classification Scheme 2023. Collection method: clinical testing. Allele origin: germline.

PreventionGenetics, part of Exact Sciences
Classification: Likely benign for DOLK-related condition. Last evaluated: 2020-11-03. Review status: no assertion criteria provided. Collection method: clinical testing. Allele origin: germline. Not counted in ClinVar's aggregate classification.
Comment: This variant is classified as likely benign based on ACMG/AMP sequence variant interpretation guidelines (Richards et al. 2015 PMID: 25741868, with internal and published modifications).

NM_014908.4(DOLK):c.975C>T (p.Ser325=)

Gene: DOLK (dolichol kinase; minus strand). Cytogenetic location: 9q34.11.
Variant type: single nucleotide variant.
Coding change: c.975C>T on transcript NM_014908.4 (MANE Select); coding-DNA position 975, C replaced by T.
Protein change: p.Ser325=; no amino-acid change (serine 325 retained).
Molecular consequence: synonymous variant.
Genome position (GRCh38, 1-based): chr9:128,946,329, G>A on the plus strand (C>T on the coding strand, the complement: DOLK is on the minus strand). VCF-style: chr9-128946329-G-A. GRCh37 (hg19) VCF-style: chr9-131708608-G-A.
Identifiers: ClinVar variation 723746 (VCV000723746.15), dbSNP rs149462670, ClinGen allele CA5271654.
Genomic context (GRCh38, chr9:128,946,329, plus strand): 5'-TACCACAATGAGGTGGAAATACTTTCGGGCGATGGTGGGGGCCTGGTGCTTCTTGGACTC[G>A]GAAGATGACCGCTTGGCATTCTGGTACAGCACCACCAGGCAGGCCAAGGTGGCCAGCAGA-3'
Protein context (NP_055723.1, residues 315-335): VLYQNAKRSS[Ser325=]ESKKHQAPTI